The following is an entry in ClinVar:

NM_198576.4(AGRN):c.2681-4C>T

Gene: AGRN (agrin; plus strand). Cytogenetic location: 1p36.33.
Variant type: single nucleotide variant.
Coding change: c.2681-4C>T on transcript NM_198576.4 (MANE Select); 4 bases into the intron before coding-DNA position 2681, C replaced by T.
Molecular consequence: intron variant.
Genome position (GRCh38, 1-based): chr1:1,045,960, C>T. VCF-style: chr1-1045960-C-T. GRCh37 (hg19) VCF-style: chr1-981340-C-T.
Other names: c.2681-4C>T (NM_001305275.2); c.2366-4C>T (NM_001364727.2).
Identifiers: ClinVar variation 541207 (VCV000541207.36), dbSNP rs186518388, ClinGen allele CA508768.

ClinVar aggregate classification (germline): Likely benign. Review status: criteria provided, multiple submitters, no conflicts (2 of 4 stars). 3 submissions from 3 submitters: Likely benign (3). Last evaluated 2026-01-22.

Conditions:
Congenital myasthenic syndrome 8. Also called: MYASTHENIC SYNDROME, CONGENITAL, DUE TO AGRIN DEFICIENCY; Myasthenic syndrome, congenital, 8, with pre- and postsynaptic defects. Identifiers: Orphanet 590, MedGen C3808739, MONDO:0014052, OMIM 615120.

Allele frequency attached by ClinVar (database versions not stated): ExAC 0.00081; gnomAD exomes 0.00086 and 0.00114; TOPMed 0.00087; gnomAD 0.00090 and 0.00092; 1000 Genomes Project 0.00100; 1000 Genomes Project 30x 0.00125; ESP Exome Variant Server 0.00146.
gnomAD v4.1: 1,792 of 1,613,462 alleles (0.11%); highest among the groups gnomAD compares: Non-Finnish European, 0.14%; 2 homozygotes.

Submissions (3):

Labcorp Genetics (formerly Invitae), Labcorp
Classification: Likely benign for Congenital myasthenic syndrome 8. Last evaluated: 2026-01-22. Review status: criteria provided, single submitter. Criteria: Invitae Variant Classification Sherloc (09022015). Collection method: clinical testing. Allele origin: germline.

Blueprint Genetics
Classification: Likely benign. Last evaluated: 2024-11-22. Review status: criteria provided, single submitter. Criteria: ACMG Guidelines, 2015. Collection method: clinical testing. Allele origin: germline.

CeGaT Center for Human Genetics Tuebingen
Classification: Likely benign. Last evaluated: 2024-07-01. Review status: criteria provided, single submitter. Criteria: CeGaT Center For Human Genetics Tuebingen Variant Classification Criteria Version 2. Collection method: clinical testing. Allele origin: germline. Affected: yes. Observed: 4 variant alleles.
Comment: AGRN: BP4